The following is an entry in ClinVar:

ClinVar aggregate classification (germline): Benign (1 of 4 stars; one submission).

Submission:

GeneDx
Classification: Benign. Last evaluated: 2018-06-14. Review status: criteria provided, single submitter. Criteria: GeneDx Variant Classification (06012015). Collection method: clinical testing. Allele origin: germline. Affected: yes.
Comment: This variant is considered likely benign or benign based on one or more of the following criteria: it is a conservative change, it occurs at a poorly conserved position in the protein, it is predicted to be benign by multiple in silico algorithms, and/or has population frequency not consistent with disease.

NM_006939.4(SOS2):c.1068+256TA[3]

Gene: SOS2 (SOS Ras/Rho guanine nucleotide exchange factor 2; minus strand). Cytogenetic location: 14q21.3.
Variant type: Microsatellite.
Coding change: c.1068+256TA[3] on transcript NM_006939.4 (MANE Select); three copies in a row of the 2-base unit TA starting at c.1068+256; the reference has five copies in a row; two copies, 4 bases deleted.
Molecular consequence: intron variant.
Genome position (GRCh38, 1-based): chr14:50,174,189-50,174,192, TATA deleted on the plus strand (TATA on the coding strand, the reverse complement: SOS2 is on the minus strand); deleting any 4 consecutive bases within chr14:50,174,189-50,174,199 gives the same sequence; the position shown is the placement nearest the transcript's 3' end. VCF-style (leftmost placement, unchanged base first): chr14-50174188-TTATA-T. GRCh37 (hg19) VCF-style: chr14-50640906-TTATA-T.
Other names: c.1068+262_1068+265delTATA (NM_006939.2).
Identifiers: ClinVar variation 561870 (VCV000561870.1), dbSNP rs35893256, ClinGen allele CA260746735.